The following is an entry in ClinVar:

NM_001042681.2(RERE):c.288C>T (p.Ser96=)

Gene: RERE (arginine-glutamic acid dipeptide repeats; minus strand). Cytogenetic location: 1p36.23.
Variant type: single nucleotide variant.
Coding change: c.288C>T on transcript NM_001042681.2 (MANE Select); coding-DNA position 288, C replaced by T.
Protein change: p.Ser96=; no amino-acid change (serine 96 retained).
Molecular consequence: synonymous variant.
Genome position (GRCh38, 1-based): chr1:8,656,010, G>A on the plus strand (C>T on the coding strand, the complement: RERE is on the minus strand). VCF-style: chr1-8656010-G-A. GRCh37 (hg19) VCF-style: chr1-8716069-G-A.
Other names: c.288C>T, p.Ser96= (NM_012102.4).
Identifiers: ClinVar variation 4076370 (VCV004076370.1).
Genomic context (GRCh38, chr1:8,656,010, plus strand): 5'-GACCCAAACGTAAGGCTCCTTACCTCCTGGTCTGTAGACCACATCATCTTCAGTGATGTA[G>A]GATGTTATCTCACCGGTATCTGTCCTTTCATAACGAGACTTTTTTTTCGGTGGTTTCTTC-3'
Protein context (NP_001036146.1, residues 86-106): YERTDTGEIT[Ser96=]YITEDDVVYR

ClinVar aggregate classification (germline): Uncertain significance (1 of 4 stars; one submission).

Conditions:
Neurodevelopmental disorder with or without anomalies of the brain, eye, or heart (NEDBEH). Identifiers: Orphanet 494344, MedGen C5567477, MONDO:0014857, OMIM 616975.

Submission:

Laboratorio de Genetica e Diagnostico Molecular, Hospital Israelita Albert Einstein
Classification: Uncertain significance for Neurodevelopmental disorder with or without anomalies of the brain, eye, or heart. Last evaluated: 2023-05-23. Review status: criteria provided, single submitter. Criteria: ACMG Guidelines, 2015. Collection method: clinical testing. Allele origin: germline. Affected: yes.
Comment: ACMG classification criteria: PM2 moderate